The following is an entry in ClinVar:

NM_000038.6(APC):c.3293G>A (p.Cys1098Tyr)

Gene: APC (APC regulator of Wnt signaling pathway; plus strand). Cytogenetic location: 5q22.2.
Variant type: single nucleotide variant.
Coding change: c.3293G>A on transcript NM_000038.6 (MANE Select); coding-DNA position 3293, G replaced by A.
Protein change: p.Cys1098Tyr; replaces cysteine 1098 with tyrosine.
Molecular consequence: missense variant.
Genome position (GRCh38, 1-based): chr5:112,838,887, G>A. VCF-style: chr5-112838887-G-A. GRCh37 (hg19) VCF-style: chr5-112174584-G-A.
Other names: c.3293G>A, p.Cys1098Tyr (NM_001127510.3, NM_001354895.2); c.3239G>A, p.Cys1080Tyr (NM_001127511.3); c.3347G>A, p.Cys1116Tyr (NM_001354896.2); c.3323G>A, p.Cys1108Tyr (NM_001354897.2); c.3218G>A, p.Cys1073Tyr (NM_001354898.2); c.3209G>A, p.Cys1070Tyr (NM_001354899.2); c.3170G>A, p.Cys1057Tyr (NM_001354900.2); c.3116G>A, p.Cys1039Tyr (NM_001354901.2); and 5 more; short protein forms C1080Y, C1098Y, C1057Y, C1070Y, C997Y, C1039Y, C1116Y, C972Y.
Identifiers: ClinVar variation 567936 (VCV000567936.13), dbSNP rs1561583695, ClinGen allele CA16028565.

ClinVar aggregate classification (germline): Uncertain significance. Review status: criteria provided, multiple submitters, no conflicts (2 of 4 stars). 3 submissions from 3 submitters: Uncertain significance (3). Last evaluated 2025-12-20.

Conditions:
Classic or attenuated familial adenomatous polyposis. Identifiers: MedGen CN372698, MONDO:0021057.
Hereditary cancer-predisposing syndrome. Also called: Neoplastic Syndromes, Hereditary; Tumor predisposition; Hereditary neoplastic syndrome; Hereditary Cancer Syndrome. Identifiers: Orphanet 140162, MedGen C0027672, MeSH D009386, MONDO:0015356.
Familial adenomatous polyposis 1 (FAP1). Also called: FAMILIAL ADENOMATOUS POLYPOSIS 1, ATTENUATED; POLYPOSIS, ADENOMATOUS INTESTINAL. Identifiers: MedGen C2713442, MONDO:0021056, OMIM 175100. Disease mechanism: loss of function.

Allele frequency attached by ClinVar (database versions not stated): gnomAD exomes below 0.00001; TOPMed below 0.00001.
gnomAD v4.1: 1 of 1,614,156 alleles (0.000062%); highest among the groups gnomAD compares: Non-Finnish European, 0.000085%; no homozygotes.

Submissions (3):

Labcorp Genetics (formerly Invitae), Labcorp
Classification: Uncertain significance for Familial adenomatous polyposis 1. Last evaluated: 2025-12-20. Review status: criteria provided, single submitter. Criteria: Invitae Variant Classification Sherloc (09022015). Collection method: clinical testing. Allele origin: germline.
Comment: This sequence change replaces cysteine, which is neutral and slightly polar, with tyrosine, which is neutral and polar, at codon 1098 of the APC protein (p.Cys1098Tyr). This variant is not present in population databases (gnomAD no frequency). This variant has not been reported in the literature in individuals affected with APC-related conditions. ClinVar contains an entry for this variant (Variation ID: 567936). Invitae Evidence Modeling of protein sequence and biophysical properties (such as structural, functional, and spatial information, amino acid conservation, physicochemical variation, residue mobility, and thermodynamic stability) indicates that this missense variant is not expected to disrupt APC protein function with a negative predictive value of 95%. In summary, the available evidence is currently insufficient to determine the role of this variant in disease. Therefore, it has been classified as a Variant of Uncertain Significance.

All of Us Research Program, National Institutes of Health
Classification: Uncertain significance for Classic or attenuated familial adenomatous polyposis. Last evaluated: 2024-01-11. Review status: criteria provided, single submitter. Criteria: ACMG Guidelines, 2015. Collection method: clinical testing. Allele origin: germline. Inheritance: Autosomal dominant inheritance. Observed: 1 variant allele, 1 heterozygote.
Comment: This study involves interpretation of variants in research participants for the purpose of population health screening. Participant phenotype was not available at the time of variant classification. Additional details can be found in publication PMID: 35346344, PMCID: PMC8962531

Ambry Genetics
Classification: Uncertain significance for Hereditary cancer-predisposing syndrome. Last evaluated: 2023-04-11. Review status: criteria provided, single submitter. Criteria: Ambry Variant Classification Scheme 2023. Collection method: clinical testing. Allele origin: germline.
Comment: The p.C1098Y variant (also known as c.3293G>A), located in coding exon 15 of the APC gene, results from a G to A substitution at nucleotide position 3293. The cysteine at codon 1098 is replaced by tyrosine, an amino acid with highly dissimilar properties. This amino acid position is conserved. In addition, in silico predictors for this gene do not accurately predict pathogenicity. Since supporting evidence is limited at this time, the clinical significance of this alteration remains unclear.